The following is an entry in ClinVar:

ClinVar aggregate classification (germline): Uncertain significance (1 of 4 stars; one submission).

Submission:

Labcorp Genetics (formerly Invitae), Labcorp
Classification: Uncertain significance. Last evaluated: 2025-01-18. Review status: criteria provided, single submitter. Criteria: Invitae Variant Classification Sherloc (09022015). Collection method: clinical testing. Allele origin: germline.
Comment: This sequence change replaces aspartic acid, which is acidic and polar, with asparagine, which is neutral and polar, at codon 14 of the EEF2 protein (p.Asp14Asn). This variant is not present in population databases (gnomAD no frequency). This variant has not been reported in the literature in individuals affected with EEF2-related conditions. Invitae Evidence Modeling of protein sequence and biophysical properties (such as structural, functional, and spatial information, amino acid conservation, physicochemical variation, residue mobility, and thermodynamic stability) indicates that this missense variant is not expected to disrupt EEF2 protein function with a negative predictive value of 80%. In summary, the available evidence is currently insufficient to determine the role of this variant in disease. Therefore, it has been classified as a Variant of Uncertain Significance.

NM_001961.4(EEF2):c.40G>A (p.Asp14Asn)

Gene: EEF2 (eukaryotic translation elongation factor 2; minus strand). Cytogenetic location: 19p13.3.
Variant type: single nucleotide variant.
Coding change: c.40G>A on transcript NM_001961.4 (MANE Select); coding-DNA position 40, G replaced by A.
Protein change: p.Asp14Asn; replaces aspartic acid 14 with asparagine.
Molecular consequence: missense variant.
Genome position (GRCh38, 1-based): chr19:3,984,314, C>T on the plus strand (G>A on the coding strand, the complement: EEF2 is on the minus strand). VCF-style: chr19-3984314-C-T. GRCh37 (hg19) VCF-style: chr19-3984312-C-T.
Other names: short protein forms D14N.
Identifiers: ClinVar variation 3612381 (VCV003612381.2).